The following is an entry in ClinVar:

NM_002637.4(PHKA1):c.914A>C (p.Lys305Thr)

Gene: PHKA1 (phosphorylase kinase regulatory subunit alpha 1; minus strand). Cytogenetic location: Xq13.1.
Variant type: single nucleotide variant.
Coding change: c.914A>C on transcript NM_002637.4 (MANE Select); coding-DNA position 914, A replaced by C.
Protein change: p.Lys305Thr; replaces lysine 305 with threonine.
Molecular consequence: missense variant.
Genome position (GRCh38, 1-based): chrX:72,657,592, T>G on the plus strand (A>C on the coding strand, the complement: PHKA1 is on the minus strand). VCF-style: chrX-72657592-T-G. GRCh37 (hg19) VCF-style: chrX-71877442-T-G.
Other names: c.914A>C, p.Lys305Thr (NM_001122670.2, NM_001172436.2, NM_001431068.1); short protein forms K305T.
Identifiers: ClinVar variation 3417742 (VCV003417742.2).

ClinVar aggregate classification (germline): Uncertain significance. Review status: criteria provided, multiple submitters, no conflicts (2 of 4 stars). 2 submissions from 2 submitters: Uncertain significance (2). Last evaluated 2026-01-12.

Conditions:
Glycogen storage disease IXd (GSD9D). Also called: Muscle Phosphorylase Kinase Deficiency; GSD IXd. Identifiers: Orphanet 715, MedGen C1845151, MONDO:0010362, OMIM 300559.
Inborn genetic diseases. Identifiers: MedGen C0950123, MeSH D030342.

Submissions (2):

Labcorp Genetics (formerly Invitae), Labcorp
Classification: Uncertain significance for Glycogen storage disease IXd. Last evaluated: 2026-01-12. Review status: criteria provided, single submitter. Criteria: Invitae Variant Classification Sherloc (09022015). Collection method: clinical testing. Allele origin: germline.
Comment: This sequence change replaces lysine, which is basic and polar, with threonine, which is neutral and polar, at codon 305 of the PHKA1 protein (p.Lys305Thr). This variant is present in population databases (rs782003925, gnomAD 0.008%). This variant has not been reported in the literature in individuals affected with PHKA1-related conditions. ClinVar contains an entry for this variant (Variation ID: 3417742). Invitae Evidence Modeling of protein sequence and biophysical properties (such as structural, functional, and spatial information, amino acid conservation, physicochemical variation, residue mobility, and thermodynamic stability) indicates that this missense variant is expected to disrupt PHKA1 protein function with a positive predictive value of 80%. In summary, the available evidence is currently insufficient to determine the role of this variant in disease. Therefore, it has been classified as a Variant of Uncertain Significance.

Ambry Genetics
Classification: Uncertain significance for Inborn genetic diseases. Last evaluated: 2024-06-26. Review status: criteria provided, single submitter. Criteria: Ambry Variant Classification Scheme 2023. Collection method: clinical testing. Allele origin: germline.